The following is an entry in ClinVar:

ClinVar aggregate classification (germline): Uncertain significance (1 of 4 stars; one submission).

Submission:

GeneDx
Classification: Uncertain significance. Last evaluated: 2025-05-29. Review status: criteria provided, single submitter. Criteria: GeneDx Variant Classification Process June 2021. Collection method: clinical testing. Allele origin: germline. Affected: yes.
Comment: Not observed at significant frequency in large population cohorts (gnomAD); In silico analysis supports that this missense variant has a deleterious effect on protein structure/function; Has not been previously published as pathogenic or benign to our knowledge

NM_005120.3(MED12):c.611A>C (p.Tyr204Ser)

Gene: MED12 (mediator complex subunit 12; plus strand). Cytogenetic location: Xq13.1.
Variant type: single nucleotide variant.
Coding change: c.611A>C on transcript NM_005120.3 (MANE Select); coding-DNA position 611, A replaced by C.
Protein change: p.Tyr204Ser; replaces tyrosine 204 with serine.
Molecular consequence: missense variant.
Genome position (GRCh38, 1-based): chrX:71,121,028, A>C. VCF-style: chrX-71121028-A-C. GRCh37 (hg19) VCF-style: chrX-70340878-A-C.
Other names: short protein forms Y204S.
Identifiers: ClinVar variation 4532413 (VCV004532413.1).